The following is an entry in ClinVar:

ClinVar aggregate classification (germline): Uncertain significance (1 of 4 stars; one submission).

Conditions:
Familial adenomatous polyposis 1 (FAP1). Also called: POLYPOSIS, ADENOMATOUS INTESTINAL; FAMILIAL ADENOMATOUS POLYPOSIS 1, ATTENUATED. Identifiers: MedGen C2713442, MONDO:0021056, OMIM 175100. Disease mechanism: loss of function.

Submission:

Labcorp Genetics (formerly Invitae), Labcorp
Classification: Uncertain significance for Familial adenomatous polyposis 1. Last evaluated: 2022-12-20. Review status: criteria provided, single submitter. Criteria: Invitae Variant Classification Sherloc (09022015). Collection method: clinical testing. Allele origin: germline.
Comment: This sequence change replaces proline, which is neutral and non-polar, with histidine, which is basic and polar, at codon 1711 of the APC protein (p.Pro1711His). This variant is not present in population databases (gnomAD no frequency). This variant has not been reported in the literature in individuals affected with APC-related conditions. Advanced modeling of protein sequence and biophysical properties (such as structural, functional, and spatial information, amino acid conservation, physicochemical variation, residue mobility, and thermodynamic stability) performed at Invitae indicates that this missense variant is not expected to disrupt APC protein function. In summary, the available evidence is currently insufficient to determine the role of this variant in disease. Therefore, it has been classified as a Variant of Uncertain Significance.

NM_000038.6(APC):c.5132C>A (p.Pro1711His)

Gene: APC (APC regulator of Wnt signaling pathway; plus strand). Cytogenetic location: 5q22.2.
Variant type: single nucleotide variant.
Coding change: c.5132C>A on transcript NM_000038.6 (MANE Select); coding-DNA position 5132, C replaced by A.
Protein change: p.Pro1711His; replaces proline 1711 with histidine.
Molecular consequence: missense variant. On other transcripts: non-coding transcript variant (2).
Genome position (GRCh38, 1-based): chr5:112,840,726, C>A. VCF-style: chr5-112840726-C-A. GRCh37 (hg19) VCF-style: chr5-112176423-C-A.
Other names: c.5132C>A, p.Pro1711His (NM_001127510.3, NM_001354895.2, NM_001407450.1); c.5078C>A, p.Pro1693His (NM_001127511.3); c.5186C>A, p.Pro1729His (NM_001354896.2, NM_001407447.1, NM_001407448.1 and 1 more transcripts); c.5162C>A, p.Pro1721His (NM_001354897.2); c.5057C>A, p.Pro1686His (NM_001354898.2); c.5048C>A, p.Pro1683His (NM_001354899.2); c.5009C>A, p.Pro1670His (NM_001354900.2); c.4955C>A, p.Pro1652His (NM_001354901.2, NM_001407453.1); and 11 more; short protein forms P1585H, P1628H, P1670H, P1711H, P1739H, P1428H, P1721H, P1327H.
Identifiers: ClinVar variation 2822733 (VCV002822733.3), dbSNP rs2149932798, ClinGen allele CA16032545.